The following is an entry in ClinVar:

ClinVar aggregate classification (germline): Likely pathogenic. Review status: criteria provided, multiple submitters, no conflicts (2 of 4 stars). 2 submissions from 2 submitters: Likely pathogenic (2). Last evaluated 2024-06-14.

Conditions:
Pelizaeus-Merzbacher disease. Also called: Pelizaeus-Merzbacher spectrum disorder; Pelizaeus-Merzbacher Disease (PMD); Sudanophilic leukodystrophy; LEUKODYSTROPHY, HYPOMYELINATING, 1; Pelizeaus-Merzbacher spectrum disorder. Identifiers: Orphanet 702, MedGen C0205711, MONDO:0010714, OMIM 312080, HP:0003269.
PLP1-related disorder. Also called: PLP1-related condition; PLP1-Related Disorders. Identifiers: MedGen CN378767.

Submissions (2):

Molecular Diagnostics Lab, Nemours Children's Health, Delaware
Classification: Likely pathogenic for Pelizaeus-Merzbacher disease. Last evaluated: 2024-06-14. Review status: criteria provided, single submitter. Criteria: ACMG Guidelines, 2015. Collection method: clinical testing. Allele origin: unknown. Inheritance: X-linked inheritance. Affected: yes. Observed: 1 hemizygote.
Comment: This missense variant (c.206A>T, p.Gln69Leu) has not been observed in population databases (gnomAD). It has not been described in the literature. Variant prediction programs suggest a deleterious effect on the PLP1 protein, but no functional studies have been published.

Blueprint Genetics
Classification: Likely pathogenic for PLP1-related disorders. Last evaluated: 2024-05-10. Review status: criteria provided, single submitter. Criteria: ACMG Guidelines, 2015. Collection method: clinical testing. Allele origin: germline. Affected: yes. Observed: 1 variant allele.

Literature cited by the submitters: PubMed 21679407 (cited by Molecular Diagnostics Lab, Nemours Children's Health, Delaware).

NM_000533.5(PLP1):c.206A>T (p.Gln69Leu)

Genes: PLP1 (proteolipid protein 1; plus strand), RAB9B (RAB9B, member RAS oncogene family; minus strand). Cytogenetic location: Xq22.2.
Variant type: single nucleotide variant.
Coding change: c.206A>T on transcript NM_000533.5 (MANE Select); coding-DNA position 206, A replaced by T.
Protein change: p.Gln69Leu; replaces glutamine 69 with leucine.
Molecular consequence: missense variant.
Genome position (GRCh38, 1-based): chrX:103,786,479, A>T. VCF-style: chrX-103786479-A-T. GRCh37 (hg19) VCF-style: chrX-103041408-A-T.
Other names: c.206A>T, p.Gln69Leu (NM_001128834.3, NM_199478.3); c.41A>T, p.Gln14Leu (NM_001305004.1); short protein forms Q14L, Q69L.
Identifiers: ClinVar variation 3255408 (VCV003255408.3), dbSNP rs2522306651.
Genomic context (GRCh38, chrX:103,786,479, plus strand): 5'-CAATTAATAAGATTCCCTGGTCTCGTTTGTCTACCTGTTAATGCAGGATCCATGCCTTCC[A>T]GTATGTCATCTATGGAACTGCCTCTTTCTTCTTCCTTTATGGGGCCCTCCTGCTGGCTGA-3'
Protein context (NP_000524.3, residues 59-79): EYLINVIHAF[Gln69Leu]YVIYGTASFF